The following is an entry in ClinVar:

NM_020184.4(CNNM4):c.529G>A (p.Gly177Arg)

Gene: CNNM4 (cyclin and CBS domain divalent metal cation transport mediator 4; plus strand). Cytogenetic location: 2q11.2.
Variant type: single nucleotide variant.
Coding change: c.529G>A on transcript NM_020184.4 (MANE Select); coding-DNA position 529, G replaced by A.
Protein change: p.Gly177Arg; replaces glycine 177 with arginine.
Molecular consequence: missense variant.
Genome position (GRCh38, 1-based): chr2:96,761,528, G>A. VCF-style: chr2-96761528-G-A. GRCh37 (hg19) VCF-style: chr2-97427265-G-A.
Other names: c.529G>A (NM_020184.3); short protein forms G177R.
Identifiers: ClinVar variation 1047649 (VCV001047649.9), dbSNP rs2078762782, ClinGen allele CA347714220.
Genomic context (GRCh38, chr2:96,761,528, plus strand): 5'-GACGGGCCCTGGCTGAAGTGGACGGACAAGGACTCACTGCTCTTCATGGTGGAGGAGCCT[G>A]GGAGGTTCCTGCCTCTCTGGCTGCACATTCTCCTAATTACGGTGCTGCTGGTGCTGTCGG-3'
Protein context (NP_064569.3, residues 167-187): DSLLFMVEEP[Gly177Arg]RFLPLWLHIL

ClinVar aggregate classification (germline): Uncertain significance. Review status: criteria provided, multiple submitters, no conflicts (2 of 4 stars). 2 submissions from 2 submitters: Uncertain significance (2). Last evaluated 2025-05-30.

Conditions:
Inborn genetic diseases. Identifiers: MedGen C0950123, MeSH D030342.

Allele frequency attached by ClinVar (database versions not stated): gnomAD exomes below 0.00001; gnomAD 0.00001.

Submissions (2):

Ambry Genetics
Classification: Uncertain significance for Inborn genetic diseases. Last evaluated: 2025-05-30. Review status: criteria provided, single submitter. Criteria: Ambry Variant Classification Scheme 2023. Collection method: clinical testing. Allele origin: germline.

Labcorp Genetics (formerly Invitae), Labcorp
Classification: Uncertain significance. Last evaluated: 2022-10-17. Review status: criteria provided, single submitter. Criteria: Invitae Variant Classification Sherloc (09022015). Collection method: clinical testing. Allele origin: germline.
Comment: This sequence change replaces glycine, which is neutral and non-polar, with arginine, which is basic and polar, at codon 177 of the CNNM4 protein (p.Gly177Arg). In summary, the available evidence is currently insufficient to determine the role of this variant in disease. Therefore, it has been classified as a Variant of Uncertain Significance. Advanced modeling of protein sequence and biophysical properties (such as structural, functional, and spatial information, amino acid conservation, physicochemical variation, residue mobility, and thermodynamic stability) performed at Invitae indicates that this missense variant is not expected to disrupt CNNM4 protein function. ClinVar contains an entry for this variant (Variation ID: 1047649). This variant has not been reported in the literature in individuals affected with CNNM4-related conditions. This variant is not present in population databases (gnomAD no frequency).